The following is an entry in ClinVar:

NM_004380.3(CREBBP):c.5321G>A (p.Arg1774His)

Gene: CREBBP (CREB binding lysine acetyltransferase; minus strand). Cytogenetic location: 16p13.3.
Variant type: single nucleotide variant.
Coding change: c.5321G>A on transcript NM_004380.3 (MANE Select); coding-DNA position 5321, G replaced by A.
Protein change: p.Arg1774His; replaces arginine 1774 with histidine.
Molecular consequence: missense variant.
Genome position (GRCh38, 1-based): chr16:3,729,726, C>T on the plus strand (G>A on the coding strand, the complement: CREBBP is on the minus strand). VCF-style: chr16-3729726-C-T. GRCh37 (hg19) VCF-style: chr16-3779727-C-T.
Other names: c.5207G>A, p.Arg1736His (NM_001079846.1); short protein forms R1736H, R1774H.
Identifiers: ClinVar variation 3252870 (VCV003252870.2), dbSNP rs2151311712.

ClinVar aggregate classification (germline): Conflicting classifications of pathogenicity. Review status: criteria provided, conflicting classifications (1 of 4 stars). 2 submissions from 2 submitters: Pathogenic (1); Uncertain significance (1). Last evaluated 2025-11-02.

Conditions:
CREBBP-related disorder. Also called: CREBBP-related disorders; CREBBP-related condition.

Submissions (2):

PreventionGenetics, part of Exact Sciences
Classification: Uncertain significance for CREBBP-related condition. Last evaluated: 2025-11-02. Review status: criteria provided, single submitter. Criteria: ACMG Guidelines, 2015. Collection method: clinical testing. Allele origin: germline.
Comment: The CREBBP c.5321G>A variant is predicted to result in the amino acid substitution p.Arg1774His. To our knowledge, this variant has not been reported in the literature or in a large population database (gnomAD), indicating this variant is rare. At this time, the clinical significance of this variant is uncertain due to the absence of conclusive functional and genetic evidence.

GeneDx
Classification: Pathogenic. Last evaluated: 2024-05-30. Review status: criteria provided, single submitter. Criteria: GeneDx Variant Classification Process June 2021. Collection method: clinical testing. Allele origin: germline. Affected: yes.
Comment: Not observed at significant frequency in large population cohorts (gnomAD); In silico analysis supports that this missense variant has a deleterious effect on protein structure/function; Has not been previously published as pathogenic or benign to our knowledge; This variant is associated with the following publications: (PMID: 27311832)